The following is an entry in ClinVar:

NM_000518.5(HBB):c.43del (p.Leu15fs)

Genes: HBB (hemoglobin subunit beta; minus strand), LOC106099062 (HBB recombination region; plus strand), LOC107133510 (origin of replication at HBB; plus strand). Cytogenetic location: 11p15.4.
Variant type: Deletion.
Coding change: c.43del on transcript NM_000518.5 (MANE Select); coding-DNA position 43, one base deleted (C; older notation c.43delC).
Protein change: p.Leu15fs; shifts the reading frame from leucine 15.
Molecular consequence: frameshift variant.
Genome position (GRCh38, 1-based): chr11:5,226,979, G deleted on the plus strand (C on the coding strand, the reverse complement: HBB is on the minus strand); the first of 3 consecutive G bases (chr11:5,226,979-5,226,981); deleting any one gives the same sequence. VCF-style (leftmost placement, unchanged base first): chr11-5226978-AG-A. GRCh37 (hg19) VCF-style: chr11-5248208-AG-A.
Other names: c.43delC (NM_000518.5); short protein forms L15fs.
Identifiers: ClinVar variation 4074264 (VCV004074264.1), dbSNP rs613985.

ClinVar aggregate classification (germline): Pathogenic (0 of 4 stars; one submission).

Conditions:
Beta-thalassemia HBB/LCRB. Identifiers: MedGen CN322236, MONDO:0013517, OMIM 613985.

Submission:

Precision Medicine Lab Center, Yangjiang People's Hospital
Classification: Pathogenic for Beta-thalassemia HBB/LCRB. Last evaluated: 2020-04-20. Review status: no assertion criteria provided. Collection method: clinical testing. Allele origin: germline. Affected: yes. Observed: 2 variant alleles.
Comment: Only the HBB:c.43delC mutation was detected. This variant is not documented in population databases and has not been previously reported in the literature. Based on the above evidence, this variant is classified as pathogenic.